The following is an entry in ClinVar:

NM_007055.4(POLR3A):c.2854A>G (p.Ile952Val)

Gene: POLR3A (RNA polymerase III subunit A; minus strand). Cytogenetic location: 10q22.3.
Variant type: single nucleotide variant.
Coding change: c.2854A>G on transcript NM_007055.4 (MANE Select); coding-DNA position 2854, A replaced by G.
Protein change: p.Ile952Val; replaces isoleucine 952 with valine.
Molecular consequence: missense variant.
Genome position (GRCh38, 1-based): chr10:77,991,101, T>C on the plus strand (A>G on the coding strand, the complement: POLR3A is on the minus strand). VCF-style: chr10-77991101-T-C. GRCh37 (hg19) VCF-style: chr10-79750859-T-C.
Other names: c.2854A>G (NM_007055.3); short protein forms I952V.
Identifiers: ClinVar variation 1383627 (VCV001383627.7), dbSNP rs1847243448, ClinGen allele CA377333314.
Genomic context (GRCh38, chr10:77,991,101, plus strand): 5'-TGGCAGAGCTCACCTGCAGGAAGCTGTCCTGGCAGCAGAGGAACTCACTCTTCTTCATGA[T>C]GGACTCTGTGGTCAGGATCAGCTCGTTTTTGCTGAGAGCAGGCTCACTGGGACACGGGAA-3'
Protein context (NP_008986.2, residues 942-962): KNELILTTES[Ile952Val]MKKSEFLCCQ

ClinVar aggregate classification (germline): Uncertain significance. Review status: criteria provided, multiple submitters, no conflicts (2 of 4 stars). 2 submissions from 2 submitters: Uncertain significance (2). Last evaluated 2025-08-07.

Conditions:
Inborn genetic diseases. Identifiers: MedGen C0950123, MeSH D030342.

Allele frequency attached by ClinVar (database versions not stated): gnomAD exomes below 0.00001; gnomAD 0.00001.
gnomAD v4.1: 5 of 1,613,738 alleles (0.00031%); highest among the groups gnomAD compares: Admixed American, 0.0017%; no homozygotes.

Submissions (2):

Ambry Genetics
Classification: Uncertain significance for Inborn genetic diseases. Last evaluated: 2025-08-07. Review status: criteria provided, single submitter. Criteria: Ambry Variant Classification Scheme 2023. Collection method: clinical testing. Allele origin: germline.

Labcorp Genetics (formerly Invitae), Labcorp
Classification: Uncertain significance. Last evaluated: 2021-10-11. Review status: criteria provided, single submitter. Criteria: Invitae Variant Classification Sherloc (09022015). Collection method: clinical testing. Allele origin: germline.
Comment: This sequence change replaces isoleucine with valine at codon 952 of the POLR3A protein (p.Ile952Val). The isoleucine residue is highly conserved and there is a small physicochemical difference between isoleucine and valine. This variant is not present in population databases (ExAC no frequency). This variant has not been reported in the literature in individuals affected with POLR3A-related conditions. Algorithms developed to predict the effect of missense changes on protein structure and function (SIFT, PolyPhen-2, Align-GVGD) all suggest that this variant is likely to be tolerated. In summary, the available evidence is currently insufficient to determine the role of this variant in disease. Therefore, it has been classified as a Variant of Uncertain Significance.